The following is an entry in ClinVar:

NM_000071.3(CBS):c.636C>G (p.Asn212Lys)

Gene: CBS (cystathionine beta-synthase; minus strand). Cytogenetic location: 21q22.3.
Variant type: single nucleotide variant.
Coding change: c.636C>G on transcript NM_000071.3 (MANE Select); coding-DNA position 636, C replaced by G.
Protein change: p.Asn212Lys; replaces asparagine 212 with lysine.
Molecular consequence: missense variant.
Genome position (GRCh38, 1-based): chr21:43,065,417, G>C on the plus strand (C>G on the coding strand, the complement: CBS is on the minus strand). VCF-style: chr21-43065417-G-C. GRCh37 (hg19) VCF-style: chr21-44485527-G-C.
Other names: p.N212K:AAC>AAG; c.636C>G, p.Asn212Lys (NM_001178008.3, NM_001178009.3, NM_001320298.2); c.321C>G, p.Asn107Lys (NM_001321072.1); short protein forms N212K, N107K.
Identifiers: ClinVar variation 212850 (VCV000212850.4), dbSNP rs2298758, ClinGen allele CA320697.
Genomic context (GRCh38, chr21:43,065,417, plus strand): 5'-ATGCCTGTCTCCAGGCCCCAGGTGCCTCACCTGGTCTAGGATGTGAGAATTGGGGATTTC[G>C]TTCTTCAGCCGCCAGGCCACCCCCACGTGTGACTCCGGGGAGTCGAACCTGGCATTGGTG-3'
Protein context (NP_000062.1, residues 202-222): SHVGVAWRLK[Asn212Lys]EIPNSHILDQ

ClinVar aggregate classification (germline): Uncertain significance. Review status: criteria provided, single submitter (1 of 4 stars). 2 submissions from 2 submitters: Uncertain significance (1). 1 of the submissions does not count toward it. Last evaluated 2025-11-24.

Conditions:
Classic homocystinuria. Also called: Homocystinuria due to Cystathionine Beta-Synthase Deficiency; Homocystinuria due to CBS deficiency; Cystathionine beta-synthase deficiency; CBS deficiency; HOMOCYSTINURIA WITH OR WITHOUT RESPONSE TO PYRIDOXINE. Identifiers: Orphanet 394, MedGen C0751202, MONDO:0009352, OMIM 236200.

Submissions (2):

GeneDx
Classification: Uncertain significance. Last evaluated: 2025-11-24. Review status: criteria provided, single submitter. Criteria: GeneDx Variant Classification Process June 2021. Collection method: clinical testing. Allele origin: germline. Affected: yes.
Comment: In silico analysis suggests that this missense variant does not alter protein structure/function; Has not been previously published as pathogenic or benign to our knowledge

Natera, Inc.
Classification: Uncertain significance for Homocystinuria due to cystathionine beta-synthase deficiency. Last evaluated: 2020-09-16. Review status: no assertion criteria provided. Collection method: clinical testing. Allele origin: germline. Not counted in ClinVar's aggregate classification.